The following is an entry in ClinVar:

NM_004393.6(DAG1):c.2327G>A (p.Arg776His)

Gene: DAG1 (dystroglycan 1; plus strand). Cytogenetic location: 3p21.31.
Variant type: single nucleotide variant.
Coding change: c.2327G>A on transcript NM_004393.6 (MANE Select); coding-DNA position 2327, G replaced by A.
Protein change: p.Arg776His; replaces arginine 776 with histidine.
Molecular consequence: missense variant.
Genome position (GRCh38, 1-based): chr3:49,532,838, G>A. VCF-style: chr3-49532838-G-A. GRCh37 (hg19) VCF-style: chr3-49570271-G-A.
Other names: c.2327G>A, p.Arg776His (NM_001165928.4, NM_001177634.3, NM_001177635.3 and 9 more transcripts); short protein forms R776H.
Identifiers: ClinVar variation 1448874 (VCV001448874.8), dbSNP rs753991804, ClinGen allele CA74522688.

ClinVar aggregate classification (germline): Uncertain significance (1 of 4 stars; one submission).

Conditions:
Autosomal recessive limb-girdle muscular dystrophy type 2P. Also called: MUSCULAR DYSTROPHY-DYSTROGLYCANOPATHY, LIMB-GIRDLE, DAG1-RELATED; Limb-Girdle Muscular Dystrophy Type 9C; MUSCULAR DYSTROPHY, LIMB-GIRDLE, TYPE 2P. Identifiers: Orphanet 280333, MedGen C4511963, MONDO:0013440, OMIM 613818.
Muscular dystrophy-dystroglycanopathy (congenital with brain and eye anomalies), type A9. Also called: WALKER-WARBURG SYNDROME OR MUSCLE-EYE BRAIN DISEASE, DAG1-RELATED; Muscular dystrophy-dystroglycanopathy (congenital with brain and eye anomalies), type a, 9. Identifiers: Orphanet 370997, Orphanet 899, MedGen C4225291, MONDO:0014683, OMIM 616538.

Allele frequency attached by ClinVar (database versions not stated): TOPMed 0.00001.
gnomAD v4.1: 29 of 1,614,074 alleles (0.0018%); highest among the groups gnomAD compares: South Asian, 0.0033%; no homozygotes.

Submission:

Labcorp Genetics (formerly Invitae), Labcorp
Classification: Uncertain significance for Autosomal recessive limb-girdle muscular dystrophy type 2P; Muscular dystrophy-dystroglycanopathy (congenital with brain and eye anomalies), type A9. Last evaluated: 2022-07-25. Review status: criteria provided, single submitter. Criteria: Invitae Variant Classification Sherloc (09022015). Collection method: clinical testing. Allele origin: germline.
Comment: ClinVar contains an entry for this variant (Variation ID: 1448874). This missense change has been observed in individual(s) with elevated creatine kinase levels (PMID: 31066050). This variant is present in population databases (rs753991804, gnomAD 0.007%). This sequence change replaces arginine, which is basic and polar, with histidine, which is basic and polar, at codon 776 of the DAG1 protein (p.Arg776His). Algorithms developed to predict the effect of missense changes on protein structure and function are either unavailable or do not agree on the potential impact of this missense change (SIFT: "Tolerated"; PolyPhen-2: "Probably Damaging"; Align-GVGD: "Class C0"). In summary, the available evidence is currently insufficient to determine the role of this variant in disease. Therefore, it has been classified as a Variant of Uncertain Significance.

Literature cited by the submitters: PubMed 31066050.